The following is an entry in ClinVar:

NM_001035.3(RYR2):c.576+1G>T

Gene: RYR2 (ryanodine receptor 2; plus strand). Cytogenetic location: 1q43.
Variant type: single nucleotide variant.
Coding change: c.576+1G>T on transcript NM_001035.3 (MANE Select); the canonical splice donor site of the intron after coding-DNA position 576, G replaced by T.
Molecular consequence: splice donor variant.
Genome position (GRCh38, 1-based): chr1:237,377,436, G>T. VCF-style: chr1-237377436-G-T. GRCh37 (hg19) VCF-style: chr1-237540736-G-T.
Identifiers: ClinVar variation 2703428 (VCV002703428.3), dbSNP rs2529993977, ClinGen allele CA345375748.

ClinVar aggregate classification (germline): Uncertain significance (1 of 4 stars; one submission).

Conditions:
Catecholaminergic polymorphic ventricular tachycardia 1. Also called: VENTRICULAR TACHYCARDIA, CATECHOLAMINERGIC POLYMORPHIC, 1, WITH OR WITHOUT ATRIAL DYSFUNCTION AND/OR DILATED CARDIOMYOPATHY; VENTRICULAR TACHYCARDIA, STRESS-INDUCED POLYMORPHIC 1; RYR2-Related Catecholaminergic Polymorphic Ventricular Tachycardia. Identifiers: Orphanet 3286, MedGen C1631597, MONDO:0011484, OMIM 604772.

Submission:

Labcorp Genetics (formerly Invitae), Labcorp
Classification: Uncertain significance for Catecholaminergic polymorphic ventricular tachycardia 1. Last evaluated: 2023-12-15. Review status: criteria provided, single submitter. Criteria: Invitae Variant Classification Sherloc (09022015). Collection method: clinical testing. Allele origin: germline.
Comment: This sequence change affects a donor splice site in intron 8 of the RYR2 gene. It is expected to disrupt RNA splicing. Variants that disrupt the donor or acceptor splice site typically lead to a loss of protein function (PMID: 16199547), however the current clinical and genetic evidence is not sufficient to establish whether loss-of-function variants in RYR2 cause disease. This variant is not present in population databases (gnomAD no frequency). This variant has not been reported in the literature in individuals affected with RYR2-related conditions. Algorithms developed to predict the effect of sequence changes on RNA splicing suggest that this variant may disrupt the consensus splice site. In summary, the available evidence is currently insufficient to determine the role of this variant in disease. Therefore, it has been classified as a Variant of Uncertain Significance.

Literature cited by the submitters: PubMed 16199547.